The following is an entry in ClinVar:

ClinVar aggregate classification (germline): Uncertain significance (1 of 4 stars; one submission).

Submission:

Labcorp Genetics (formerly Invitae), Labcorp
Classification: Uncertain significance. Last evaluated: 2025-02-17. Review status: criteria provided, single submitter. Criteria: Invitae Variant Classification Sherloc (09022015). Collection method: clinical testing. Allele origin: germline.
Comment: This sequence change replaces glycine, which is neutral and non-polar, with glutamic acid, which is acidic and polar, at codon 440 of the GLYCTK protein (p.Gly440Glu). This variant is not present in population databases (gnomAD no frequency). This variant has not been reported in the literature in individuals affected with GLYCTK-related conditions. ClinVar contains an entry for this variant (Variation ID: 1713799). An algorithm developed to predict the effect of missense changes on protein structure and function (PolyPhen-2) suggests that this variant is likely to be tolerated. In summary, the available evidence is currently insufficient to determine the role of this variant in disease. Therefore, it has been classified as a Variant of Uncertain Significance.

NM_145262.4(GLYCTK):c.1319G>A (p.Gly440Glu)

Gene: GLYCTK (glycerate kinase; plus strand). Cytogenetic location: 3p21.2.
Variant type: single nucleotide variant.
Coding change: c.1319G>A on transcript NM_145262.4 (MANE Select); coding-DNA position 1319, G replaced by A.
Protein change: p.Gly440Glu; replaces glycine 440 with glutamic acid.
Molecular consequence: missense variant. On other transcripts: 3 prime UTR variant (1), non-coding transcript variant (2).
Genome position (GRCh38, 1-based): chr3:52,292,873, G>A. VCF-style: chr3-52292873-G-A. GRCh37 (hg19) VCF-style: chr3-52326889-G-A.
Other names: c.*438G>A (NM_001144951.2); short protein forms G440E.
Identifiers: ClinVar variation 1713799 (VCV001713799.5), dbSNP rs1213269711, ClinGen allele CA353075781.